The following is an entry in ClinVar:

ClinVar aggregate classification (germline): Uncertain significance (1 of 4 stars; one submission).

Conditions:
Wiedemann-Steiner syndrome (WDSTS). Also called: Growth deficiency and mental retardation with facial dysmorphism. Identifiers: Orphanet 319182, MedGen C1854630, MONDO:0011518, OMIM 605130.

Allele frequency attached by ClinVar (database versions not stated): TOPMed 0.00001.

Submission:

Laboratorio de Genetica e Diagnostico Molecular, Hospital Israelita Albert Einstein
Classification: Uncertain significance for Wiedemann-Steiner syndrome. Last evaluated: 2021-03-03. Review status: criteria provided, single submitter. Criteria: ACMG Guidelines, 2015. Collection method: clinical testing. Allele origin: germline. Affected: yes.
Comment: ACMG classification criteria: PM2, PP2 supporting, BP4 supporting

NM_001197104.2(KMT2A):c.2143G>A (p.Val715Ile)

Gene: KMT2A (lysine methyltransferase 2A; plus strand). Cytogenetic location: 11q23.3.
Variant type: single nucleotide variant.
Coding change: c.2143G>A on transcript NM_001197104.2 (MANE Select); coding-DNA position 2143, G replaced by A.
Protein change: p.Val715Ile; replaces valine 715 with isoleucine.
Molecular consequence: missense variant.
Genome position (GRCh38, 1-based): chr11:118,473,302, G>A. VCF-style: chr11-118473302-G-A. GRCh37 (hg19) VCF-style: chr11-118344017-G-A.
Other names: c.2143G>A, p.Val715Ile (NM_005933.4); short protein forms V715I.
Identifiers: ClinVar variation 1683761 (VCV001683761.2), dbSNP rs1949975510, ClinGen allele CA382812998.